The following is an entry in ClinVar:

NM_003024.3(ITSN1):c.4443C>G (p.Phe1481Leu)

Gene: ITSN1 (intersectin 1; plus strand). Cytogenetic location: 21q22.11.
Variant type: single nucleotide variant.
Coding change: c.4443C>G on transcript NM_003024.3 (MANE Select); coding-DNA position 4443, C replaced by G.
Protein change: p.Phe1481Leu; replaces phenylalanine 1481 with leucine.
Molecular consequence: missense variant.
Genome position (GRCh38, 1-based): chr21:33,882,344, C>G. VCF-style: chr21-33882344-C-G. GRCh37 (hg19) VCF-style: chr21-35254648-C-G.
Other names: c.4428C>G, p.Phe1476Leu (NM_001331010.2); short protein forms F1481L, F1476L.
Identifiers: ClinVar variation 4730216 (VCV004730216.1).

ClinVar aggregate classification (germline): Uncertain significance (1 of 4 stars; one submission).

Submission:

Labcorp Genetics (formerly Invitae), Labcorp
Classification: Uncertain significance. Last evaluated: 2025-10-29. Review status: criteria provided, single submitter. Criteria: Invitae Variant Classification Sherloc (09022015). Collection method: clinical testing. Allele origin: germline.
Comment: This sequence change replaces phenylalanine, which is neutral and non-polar, with leucine, which is neutral and non-polar, at codon 1481 of the ITSN1 protein (p.Phe1481Leu). This variant is not present in population databases (gnomAD no frequency). This variant has not been reported in the literature in individuals affected with ITSN1-related conditions. An algorithm developed to predict the effect of missense changes on protein structure and function (PolyPhen-2) suggests that this variant is likely to be disruptive. In summary, the available evidence is currently insufficient to determine the role of this variant in disease. Therefore, it has been classified as a Variant of Uncertain Significance.